The following is an entry in ClinVar:

NM_006901.4(MYO9A):c.5500C>T (p.Arg1834Cys)

Gene: MYO9A (myosin IXA; minus strand). Cytogenetic location: 15q23.
Variant type: single nucleotide variant.
Coding change: c.5500C>T on transcript NM_006901.4 (MANE Select); coding-DNA position 5500, C replaced by T.
Protein change: p.Arg1834Cys; replaces arginine 1834 with cysteine.
Molecular consequence: missense variant.
Genome position (GRCh38, 1-based): chr15:71,880,457, G>A on the plus strand (C>T on the coding strand, the complement: MYO9A is on the minus strand). VCF-style: chr15-71880457-G-A. GRCh37 (hg19) VCF-style: chr15-72172798-G-A.
Other names: short protein forms R1834C.
Identifiers: ClinVar variation 3057042 (VCV003057042.2), dbSNP rs74475742, ClinGen allele CA7641143.

ClinVar aggregate classification (germline): Benign (0 of 4 stars; one submission).

Conditions:
MYO9A-related disorder. Also called: MYO9A-related condition.

Allele frequency attached by ClinVar (database versions not stated): ESP Exome Variant Server 0.02432; 1000 Genomes Project 0.02516; 1000 Genomes Project 30x 0.02545.
gnomAD v4.1: 34,354 of 1,614,162 alleles (2.1%); highest among the groups gnomAD compares: Middle Eastern, 2.9%; 434 homozygotes.

Submission:

PreventionGenetics, part of Exact Sciences
Classification: Benign for MYO9A-related condition. Last evaluated: 2020-01-07. Review status: no assertion criteria provided. Collection method: clinical testing. Allele origin: germline.
Comment: This variant is classified as benign based on ACMG/AMP sequence variant interpretation guidelines (Richards et al. 2015 PMID: 25741868, with internal and published modifications).